The following is an entry in ClinVar:

ClinVar aggregate classification (germline): Uncertain significance (1 of 4 stars; one submission).

Allele frequency attached by ClinVar (database versions not stated): gnomAD exomes below 0.00001.

Submission:

Labcorp Genetics (formerly Invitae), Labcorp
Classification: Uncertain significance. Last evaluated: 2024-02-16. Review status: criteria provided, single submitter. Criteria: Invitae Variant Classification Sherloc (09022015). Collection method: clinical testing. Allele origin: germline.
Comment: This sequence change replaces arginine, which is basic and polar, with lysine, which is basic and polar, at codon 493 of the GPAA1 protein (p.Arg493Lys). This variant is not present in population databases (gnomAD no frequency). This variant has not been reported in the literature in individuals affected with GPAA1-related conditions. ClinVar contains an entry for this variant (Variation ID: 1719084). Advanced modeling of protein sequence and biophysical properties (such as structural, functional, and spatial information, amino acid conservation, physicochemical variation, residue mobility, and thermodynamic stability) performed at Invitae indicates that this missense variant is not expected to disrupt GPAA1 protein function with a negative predictive value of 80%. In summary, the available evidence is currently insufficient to determine the role of this variant in disease. Therefore, it has been classified as a Variant of Uncertain Significance.

NM_003801.4(GPAA1):c.1478G>A (p.Arg493Lys)

Gene: GPAA1 (glycosylphosphatidylinositol anchor attachment 1; plus strand). Cytogenetic location: 8q24.3.
Variant type: single nucleotide variant.
Coding change: c.1478G>A on transcript NM_003801.4 (MANE Select); coding-DNA position 1478, G replaced by A.
Protein change: p.Arg493Lys; replaces arginine 493 with lysine.
Molecular consequence: missense variant.
Genome position (GRCh38, 1-based): chr8:144,085,599, G>A. VCF-style: chr8-144085599-G-A. GRCh37 (hg19) VCF-style: chr8-145140502-G-A.
Other names: short protein forms R493K.
Identifiers: ClinVar variation 1719084 (VCV001719084.5), dbSNP rs1031476698, ClinGen allele CA372505899.
Genomic context (GRCh38, chr8:144,085,599, plus strand): 5'-CTTGTGGGTTGCCTCTGAGTCCTTTGTCTTACAGGGTGGTAAGCACACAGGCCCCAGACA[G>A]GGGCTGGATGGCACTGAAGCTGGTAGCCCTGATCTACCTAGCACTGCAGCTGGGCTGCAT-3'
Protein context (NP_003792.1, residues 483-503): HRVVSTQAPD[Arg493Lys]GWMALKLVAL